The following is an entry in ClinVar:

NM_001082971.2(DDC):c.134C>T (p.Ala45Val)

Gene: DDC (dopa decarboxylase; minus strand). Cytogenetic location: 7p12.1.
Variant type: single nucleotide variant.
Coding change: c.134C>T on transcript NM_001082971.2 (MANE Select); coding-DNA position 134, C replaced by T.
Protein change: p.Ala45Val; replaces alanine 45 with valine.
Molecular consequence: missense variant.
Genome position (GRCh38, 1-based): chr7:50,543,952, G>A on the plus strand (C>T on the coding strand, the complement: DDC is on the minus strand). VCF-style: chr7-50543952-G-A. GRCh37 (hg19) VCF-style: chr7-50611650-G-A.
Other names: c.134C>T (NM_000790.3); c.134C>T, p.Ala45Val (NM_000790.4, NM_001242886.2, NM_001242887.2 and 3 more transcripts); short protein forms A45V.
Identifiers: ClinVar variation 1002352 (VCV001002352.10), dbSNP rs2044718776, ClinGen allele CA367531809.

ClinVar aggregate classification (germline): Uncertain significance. Review status: criteria provided, multiple submitters, no conflicts (2 of 4 stars). 2 submissions from 2 submitters: Uncertain significance (2). Last evaluated 2022-05-15.

Conditions:
Deficiency of aromatic-L-amino-acid decarboxylase. Also called: Aromatic amino acid decarboxylase deficiency; Aromatic L-Amino Acid Decarboxylase Deficiency; AADC DEFICIENCY; DDC DEFICIENCY; DOPA DECARBOXYLASE DEFICIENCY. Identifiers: Orphanet 35708, MedGen C1291564, MONDO:0012084, OMIM 608643.
Inborn genetic diseases. Identifiers: MedGen C0950123, MeSH D030342.

Allele frequency attached by ClinVar (database versions not stated): gnomAD exomes 0.00001.
gnomAD v4.1: 9 of 1,614,212 alleles (0.00056%); highest among the groups gnomAD compares: Non-Finnish European, 0.00076%; no homozygotes.

Submissions (2):

Labcorp Genetics (formerly Invitae), Labcorp
Classification: Uncertain significance for Deficiency of aromatic-L-amino-acid decarboxylase. Last evaluated: 2022-05-15. Review status: criteria provided, single submitter. Criteria: Invitae Variant Classification Sherloc (09022015). Collection method: clinical testing. Allele origin: germline.
Comment: This sequence change replaces alanine, which is neutral and non-polar, with valine, which is neutral and non-polar, at codon 45 of the DDC protein (p.Ala45Val). This variant is not present in population databases (gnomAD no frequency). This variant has not been reported in the literature in individuals affected with DDC-related conditions. ClinVar contains an entry for this variant (Variation ID: 1002352). Algorithms developed to predict the effect of missense changes on protein structure and function (SIFT, PolyPhen-2, Align-GVGD) all suggest that this variant is likely to be tolerated. In summary, the available evidence is currently insufficient to determine the role of this variant in disease. Therefore, it has been classified as a Variant of Uncertain Significance.

Ambry Genetics
Classification: Uncertain significance for Inborn genetic diseases. Last evaluated: 2021-09-16. Review status: criteria provided, single submitter. Criteria: Ambry Variant Classification Scheme 2023. Collection method: clinical testing. Allele origin: germline.